The following is an entry in ClinVar:

NM_012200.4(B3GAT3):c.82G>A (p.Gly28Ser)

Gene: B3GAT3 (beta-1,3-glucuronyltransferase 3; minus strand). Cytogenetic location: 11q12.3.
Variant type: single nucleotide variant.
Coding change: c.82G>A on transcript NM_012200.4 (MANE Select); coding-DNA position 82, G replaced by A.
Protein change: p.Gly28Ser; replaces glycine 28 with serine.
Molecular consequence: missense variant. On other transcripts: 5 prime UTR variant (1).
Genome position (GRCh38, 1-based): chr11:62,621,866, C>T on the plus strand (G>A on the coding strand, the complement: B3GAT3 is on the minus strand). VCF-style: chr11-62621866-C-T. GRCh37 (hg19) VCF-style: chr11-62389338-C-T.
Other names: c.-179G>A (NM_001288721.2); c.82G>A, p.Gly28Ser (NM_001288722.2, NM_001288723.2); short protein forms G28S.
Identifiers: ClinVar variation 1991215 (VCV001991215.4), dbSNP rs774412136, ClinGen allele CA380981728.

ClinVar aggregate classification (germline): Uncertain significance (1 of 4 stars; one submission).

Conditions:
Larsen-like syndrome, B3GAT3 type. Also called: Multiple joint dislocations, short stature, craniofacial dysmorphism, with or without congenital heart defects; MULTIPLE JOINT DISLOCATIONS, SHORT STATURE, AND CRANIOFACIAL DYSMORPHISM WITH OR WITHOUT CONGENITAL HEART DEFECTS. Identifiers: Orphanet 284139, MedGen CN034159, MONDO:0009511, OMIM 245600.

gnomAD v4.1: 7 of 1,611,388 alleles (0.00043%); highest among the groups gnomAD compares: South Asian, 0.0022%; no homozygotes.

Submission:

Labcorp Genetics (formerly Invitae), Labcorp
Classification: Uncertain significance for Larsen-like syndrome, B3GAT3 type. Last evaluated: 2022-07-21. Review status: criteria provided, single submitter. Criteria: Invitae Variant Classification Sherloc (09022015). Collection method: clinical testing. Allele origin: germline.
Comment: Algorithms developed to predict the effect of missense changes on protein structure and function are either unavailable or do not agree on the potential impact of this missense change (SIFT: "Tolerated"; PolyPhen-2: "Probably Damaging"; Align-GVGD: "Class C0"). This sequence change replaces glycine, which is neutral and non-polar, with serine, which is neutral and polar, at codon 28 of the B3GAT3 protein (p.Gly28Ser). This variant also falls at the last nucleotide of exon 1, which is part of the consensus splice site for this exon. This variant is not present in population databases (gnomAD no frequency). This variant has not been reported in the literature in individuals affected with B3GAT3-related conditions. Variants that disrupt the consensus splice site are a relatively common cause of aberrant splicing (PMID: 17576681, 9536098). Algorithms developed to predict the effect of sequence changes on RNA splicing suggest that this variant may disrupt the consensus splice site. In summary, the available evidence is currently insufficient to determine the role of this variant in disease. Therefore, it has been classified as a Variant of Uncertain Significance.

Literature cited by the submitters: PubMed 17576681; PubMed 9536098.